The following is an entry in ClinVar:

ClinVar aggregate classification (germline): Uncertain significance (1 of 4 stars; one submission).

Submission:

GeneDx
Classification: Uncertain significance. Last evaluated: 2026-02-17. Review status: criteria provided, single submitter. Criteria: GeneDx Variant Classification Process June 2021. Collection method: clinical testing. Allele origin: germline.
Comment: No data available from control populations to assess the frequency of this variant; Located in a regulatory region; in the absence of functional studies, the actual effect of this sequence change is unknown; This variant is associated with the following publications: (PMID: 39402625)

NM_007363.5(NONO):c.-10+543T>C

Gene: NONO (non-POU domain containing octamer binding; plus strand). Cytogenetic location: Xq13.1.
Variant type: single nucleotide variant.
Coding change: c.-10+543T>C on transcript NM_007363.5 (MANE Select); 543 bases into the intron after 10 bases upstream of the start codon, T replaced by C.
Molecular consequence: intron variant. On other transcripts: 5 prime UTR variant (1).
Genome position (GRCh38, 1-based): chrX:71,284,996, T>C. VCF-style: chrX-71284996-T-C. GRCh37 (hg19) VCF-style: chrX-70504846-T-C.
Other names: c.-111T>C (NM_001145408.2); c.-10+1275T>C (NM_001145409.2); c.-114+1275T>C (NM_001145410.2).
Identifiers: ClinVar variation 4975184 (VCV004975184.1).